The following is an entry in ClinVar:

NM_033400.3(ZFHX2):c.188C>T (p.Ser63Leu)

Genes: ZFHX2 (zinc finger homeobox 2; minus strand), THTPA (thiamine triphosphatase; plus strand). Cytogenetic location: 14q11.2.
Variant type: single nucleotide variant.
Coding change: c.188C>T on transcript NM_033400.3 (MANE Select); coding-DNA position 188, C replaced by T.
Protein change: p.Ser63Leu; replaces serine 63 with leucine.
Molecular consequence: missense variant.
Genome position (GRCh38, 1-based): chr14:23,535,138, G>A on the plus strand (C>T on the coding strand, the complement: ZFHX2 is on the minus strand). VCF-style: chr14-23535138-G-A. GRCh37 (hg19) VCF-style: chr14-24004347-G-A.
Other names: short protein forms S63L.
Identifiers: ClinVar variation 3192919 (VCV003192919.3), dbSNP rs764357657, ClinGen allele CA7117179.

ClinVar aggregate classification (germline): Likely benign. Review status: criteria provided, multiple submitters, no conflicts (2 of 4 stars). 2 submissions from 2 submitters: Likely benign (2). Last evaluated 2026-06-01.

Allele frequency attached by ClinVar (database versions not stated): gnomAD 0.00003; gnomAD exomes 0.00003; TOPMed 0.00006; ExAC 0.00008; 1000 Genomes Project 30x 0.00016.
gnomAD v4.1: 41 of 1,536,092 alleles (0.0027%); highest among the groups gnomAD compares: East Asian, 0.0073%; no homozygotes.

Submissions (2):

CeGaT Center for Human Genetics Tuebingen
Classification: Likely benign. Last evaluated: 2026-06-01. Review status: criteria provided, single submitter. Criteria: CeGaT Center For Human Genetics Tuebingen Variant Classification Criteria Version 2. Collection method: clinical testing. Allele origin: germline. Affected: yes. Observed: 1 variant allele.
Comment: ZFHX2: BP4

Ambry Genetics
Classification: Likely benign. Last evaluated: 2024-01-08. Review status: criteria provided, single submitter. Criteria: Ambry Variant Classification Scheme 2023. Collection method: clinical testing. Allele origin: germline.